The following is an entry in ClinVar:

ClinVar aggregate classification (germline): Uncertain significance. Review status: criteria provided, multiple submitters, no conflicts (2 of 4 stars). 2 submissions from 2 submitters: Uncertain significance (2). Last evaluated 2025-03-31.

Allele frequency attached by ClinVar (database versions not stated): ExAC 0.00002; gnomAD 0.00001.
gnomAD v4.1: 31 of 1,613,464 alleles (0.0019%); highest among the groups gnomAD compares: Middle Eastern, 0.016%; no homozygotes.

Submissions (2):

Ambry Genetics
Classification: Uncertain significance. Last evaluated: 2025-03-31. Review status: criteria provided, single submitter. Criteria: Ambry Variant Classification Scheme 2023. Collection method: clinical testing. Allele origin: germline.

Labcorp Genetics (formerly Invitae), Labcorp
Classification: Uncertain significance. Last evaluated: 2022-06-12. Review status: criteria provided, single submitter. Criteria: Invitae Variant Classification Sherloc (09022015). Collection method: clinical testing. Allele origin: germline.
Comment: This sequence change replaces arginine, which is basic and polar, with histidine, which is basic and polar, at codon 1115 of the SBF1 protein (p.Arg1115His). In summary, the available evidence is currently insufficient to determine the role of this variant in disease. Therefore, it has been classified as a Variant of Uncertain Significance. Algorithms developed to predict the effect of missense changes on protein structure and function are either unavailable or do not agree on the potential impact of this missense change (SIFT: "Deleterious"; PolyPhen-2: "Possibly Damaging"; Align-GVGD: "Class C0"). This variant has not been reported in the literature in individuals affected with SBF1-related conditions. This variant is present in population databases (rs761053002, gnomAD 0.006%).

NM_002972.4(SBF1):c.3344G>A (p.Arg1115His)

Gene: SBF1 (SET binding factor 1; minus strand). Cytogenetic location: 22q13.33.
Variant type: single nucleotide variant.
Coding change: c.3344G>A on transcript NM_002972.4 (MANE Select); coding-DNA position 3344, G replaced by A.
Protein change: p.Arg1115His; replaces arginine 1115 with histidine.
Molecular consequence: missense variant.
Genome position (GRCh38, 1-based): chr22:50,460,099, C>T on the plus strand (G>A on the coding strand, the complement: SBF1 is on the minus strand). VCF-style: chr22-50460099-C-T. GRCh37 (hg19) VCF-style: chr22-50898528-C-T.
Other names: c.3347G>A, p.Arg1116His (NM_001365819.1, NM_001410794.1); c.3344G>A, p.Arg1115His (NM_001410795.1, NM_197971.1); c.3344G>A (NM_002972.2); short protein forms R1115H, R1116H.
Identifiers: ClinVar variation 2085626 (VCV002085626.3), dbSNP rs761053002, ClinGen allele CA10316748.